The following is an entry in ClinVar:

ClinVar aggregate classification (germline): Uncertain significance (1 of 4 stars; one submission).

Conditions:
Kabuki syndrome. Also called: NIIKAWA-KUROKI SYNDROME; Kabuki make-up syndrome. Identifiers: Orphanet 2322, MedGen C0796004, MONDO:0016512.

Submission:

Labcorp Genetics (formerly Invitae), Labcorp
Classification: Uncertain significance for Kabuki syndrome. Last evaluated: 2022-12-07. Review status: criteria provided, single submitter. Criteria: Invitae Variant Classification Sherloc (09022015). Collection method: clinical testing. Allele origin: unknown.
Comment: In summary, the available evidence is currently insufficient to determine the role of this variant in disease. Therefore, it has been classified as a Variant of Uncertain Significance. This variant has not been reported in the literature in individuals affected with KMT2D-related conditions. This variant results in a copy number gain of the genomic region encompassing exon(s) 23-54 of the KMT2D gene. This region includes the termination codon of the gene. This copy number gain extends beyond the assayed region for this gene and therefore may encompass additional genes. As the precise location of this event is unknown, it may be in tandem or it may be located elsewhere in the genome.

NC_000012.11:g.(?_49162374)_(49437585_?)dup

Genes: ADCY6 (adenylate cyclase 6; minus strand), ARF3 (ARF GTPase 3; minus strand), CACNB3 (calcium voltage-gated channel auxiliary subunit beta 3; plus strand), CCDC65 (coiled-coil domain containing 65; plus strand), DDN (dendrin; minus strand) and 7 more. Cytogenetic location: 12q13.12.
Variant type: Duplication.
Identifiers: ClinVar variation 3244281 (VCV003244281.1).